The following is an entry in ClinVar:

ClinVar aggregate classification (germline): Uncertain significance (1 of 4 stars; one submission).

Conditions:
Hereditary cancer-predisposing syndrome. Also called: Neoplastic Syndromes, Hereditary; Tumor predisposition; Hereditary Cancer Syndrome; Hereditary neoplastic syndrome. Identifiers: Orphanet 140162, MedGen C0027672, MeSH D009386, MONDO:0015356.

Submission:

Ambry Genetics
Classification: Uncertain significance for Hereditary cancer-predisposing syndrome. Last evaluated: 2022-09-27. Review status: criteria provided, single submitter. Criteria: Ambry Variant Classification Scheme 2023. Collection method: clinical testing. Allele origin: germline.
Comment: The p.K1139N variant (also known as c.3417G>T), located in coding exon 15 of the APC gene, results from a G to T substitution at nucleotide position 3417. The lysine at codon 1139 is replaced by asparagine, an amino acid with similar properties. This amino acid position is conserved. In addition, in silico predictors for this gene do not accurately predict pathogenicity. Since supporting evidence is limited at this time, the clinical significance of this alteration remains unclear.

NM_000038.6(APC):c.3417G>T (p.Lys1139Asn)

Gene: APC (APC regulator of Wnt signaling pathway; plus strand). Cytogenetic location: 5q22.2.
Variant type: single nucleotide variant.
Coding change: c.3417G>T on transcript NM_000038.6 (MANE Select); coding-DNA position 3417, G replaced by T.
Protein change: p.Lys1139Asn; replaces lysine 1139 with asparagine.
Molecular consequence: missense variant.
Genome position (GRCh38, 1-based): chr5:112,839,011, G>T. VCF-style: chr5-112839011-G-T. GRCh37 (hg19) VCF-style: chr5-112174708-G-T.
Other names: c.3417G>T, p.Lys1139Asn (NM_001127510.3, NM_001354895.2, NM_001407450.1); c.3363G>T, p.Lys1121Asn (NM_001127511.3); c.3471G>T, p.Lys1157Asn (NM_001354896.2, NM_001407447.1, NM_001407448.1 and 1 more transcripts); c.3447G>T, p.Lys1149Asn (NM_001354897.2); c.3342G>T, p.Lys1114Asn (NM_001354898.2); c.3333G>T, p.Lys1111Asn (NM_001354899.2); c.3294G>T, p.Lys1098Asn (NM_001354900.2); c.3240G>T, p.Lys1080Asn (NM_001354901.2, NM_001407453.1); and 11 more; short protein forms K1010N, K1111N, K1129N, K1139N, K1157N, K1038N, K1132N, K1149N.
Identifiers: ClinVar variation 1731224 (VCV001731224.2), dbSNP rs2149891493, ClinGen allele CA16028824.